The following is an entry in ClinVar:

ClinVar aggregate classification (germline): Uncertain significance (1 of 4 stars; one submission).

Conditions:
Hereditary breast ovarian cancer syndrome. Also called: Hereditary breast and/or ovarian cancer syndrome; Breast and ovarian cancer; Hereditary breast and ovarian cancer; BRCA1- and BRCA2-Associated Hereditary Breast and Ovarian Cancer; Hereditary breast and ovarian cancer syndrome; Hereditary breast and ovarian cancer syndrome (HBOC). Identifiers: Orphanet 145, MedGen C0677776, MeSH D061325, MONDO:0003582. Disease mechanism: loss of function.

Submission:

Labcorp Genetics (formerly Invitae), Labcorp
Classification: Uncertain significance for Hereditary breast ovarian cancer syndrome. Last evaluated: 2021-04-23. Review status: criteria provided, single submitter. Criteria: Invitae Variant Classification Sherloc (09022015). Collection method: clinical testing. Allele origin: germline.
Comment: In summary, the available evidence is currently insufficient to determine the role of this variant in disease. Therefore, it has been classified as a Variant of Uncertain Significance. Advanced modeling of protein sequence and biophysical properties (such as structural, functional, and spatial information, amino acid conservation, physicochemical variation, residue mobility, and thermodynamic stability) performed at Invitae indicates that this missense variant is not expected to disrupt BRCA2 protein function. This variant has not been reported in the literature in individuals with BRCA2-related conditions. This variant is not present in population databases (ExAC no frequency). This sequence change replaces alanine with threonine at codon 3028 of the BRCA2 protein (p.Ala3028Thr). The alanine residue is weakly conserved and there is a small physicochemical difference between alanine and threonine.

NM_000059.4(BRCA2):c.9082G>A (p.Ala3028Thr)

Gene: BRCA2 (BRCA2 DNA repair associated; plus strand). Cytogenetic location: 13q13.1.
Variant type: single nucleotide variant.
Coding change: c.9082G>A on transcript NM_000059.4 (MANE Select); coding-DNA position 9082, G replaced by A.
Protein change: p.Ala3028Thr; replaces alanine 3028 with threonine.
Molecular consequence: missense variant.
Genome position (GRCh38, 1-based): chr13:32,379,878, G>A. VCF-style: chr13-32379878-G-A. GRCh37 (hg19) VCF-style: chr13-32954015-G-A.
Other names: short protein forms A3028T.
Identifiers: ClinVar variation 1515698 (VCV001515698.8), dbSNP rs80359161, ClinGen allele CA387757616.